The following is an entry in ClinVar:

ClinVar aggregate classification (germline): Uncertain significance (1 of 4 stars; one submission).

Conditions:
Hereditary cancer-predisposing syndrome. Also called: Tumor predisposition; Hereditary neoplastic syndrome; Hereditary Cancer Syndrome; Neoplastic Syndromes, Hereditary. Identifiers: Orphanet 140162, MedGen C0027672, MeSH D009386, MONDO:0015356.

Allele frequency attached by ClinVar (database versions not stated): ExAC 0.00001.

Submission:

Ambry Genetics
Classification: Uncertain significance for Hereditary cancer-predisposing syndrome. Last evaluated: 2023-11-15. Review status: criteria provided, single submitter. Criteria: Ambry Variant Classification Scheme 2023. Collection method: clinical testing. Allele origin: germline.
Comment: The p.K42R variant (also known as c.125A>G), located in coding exon 1 of the AXIN2 gene, results from an A to G substitution at nucleotide position 125. The lysine at codon 42 is replaced by arginine, an amino acid with highly similar properties. This amino acid position is well conserved in available vertebrate species. In addition, this alteration is predicted to be tolerated by in silico analysis. Since supporting evidence is limited at this time, the clinical significance of this alteration remains unclear.

NM_004655.4(AXIN2):c.125A>G (p.Lys42Arg)

Gene: AXIN2 (axin 2; minus strand). Cytogenetic location: 17q24.1.
Variant type: single nucleotide variant.
Coding change: c.125A>G on transcript NM_004655.4 (MANE Select); coding-DNA position 125, A replaced by G.
Protein change: p.Lys42Arg; replaces lysine 42 with arginine.
Molecular consequence: missense variant.
Genome position (GRCh38, 1-based): chr17:65,558,496, T>C on the plus strand (A>G on the coding strand, the complement: AXIN2 is on the minus strand). VCF-style: chr17-65558496-T-C. GRCh37 (hg19) VCF-style: chr17-63554614-T-C.
Other names: c.125A>G, p.Lys42Arg (NM_001363813.1); short protein forms K42R.
Identifiers: ClinVar variation 3224357 (VCV003224357.1), dbSNP rs779567219, ClinGen allele CA8719097.